The following is an entry in ClinVar:

ClinVar aggregate classification (germline): Uncertain significance (1 of 4 stars; one submission).

Conditions:
Hereditary cancer-predisposing syndrome. Also called: Neoplastic Syndromes, Hereditary; Hereditary Cancer Syndrome; Tumor predisposition; Hereditary neoplastic syndrome. Identifiers: Orphanet 140162, MedGen C0027672, MeSH D009386, MONDO:0015356.

Submission:

Ambry Genetics
Classification: Uncertain significance for Hereditary cancer-predisposing syndrome. Last evaluated: 2022-12-26. Review status: criteria provided, single submitter. Criteria: Ambry Variant Classification Scheme 2023. Collection method: clinical testing. Allele origin: germline.
Comment: The p.A30S variant (also known as c.88G>T), located in coding exon 2 of the MRE11A gene, results from a G to T substitution at nucleotide position 88. The alanine at codon 30 is replaced by serine, an amino acid with similar properties. This amino acid position is conserved. In addition, this alteration is predicted to be tolerated by in silico analysis. Since supporting evidence is limited at this time, the clinical significance of this alteration remains unclear.

NM_005591.4(MRE11):c.88G>T (p.Ala30Ser)

Gene: MRE11 (MRE11 double strand break repair nuclease; minus strand). Cytogenetic location: 11q21.
Variant type: single nucleotide variant.
Coding change: c.88G>T on transcript NM_005591.4 (MANE Select); coding-DNA position 88, G replaced by T.
Protein change: p.Ala30Ser; replaces alanine 30 with serine.
Molecular consequence: missense variant.
Genome position (GRCh38, 1-based): chr11:94,490,898, C>A on the plus strand (G>T on the coding strand, the complement: MRE11 is on the minus strand). VCF-style: chr11-94490898-C-A. GRCh37 (hg19) VCF-style: chr11-94224064-C-A.
Other names: c.88G>T, p.Ala30Ser (NM_001330347.2, NM_005590.4); short protein forms A30S.
Identifiers: ClinVar variation 2446992 (VCV002446992.2), dbSNP rs2135141229, ClinGen allele CA382380797.